The following is an entry in ClinVar:

ClinVar aggregate classification (germline): Uncertain significance (1 of 4 stars; one submission).

Conditions:
Inborn genetic diseases. Identifiers: MedGen C0950123, MeSH D030342.

gnomAD v4.1: 1 of 1,613,914 alleles (0.000062%); highest among the groups gnomAD compares: Non-Finnish European, 0.000085%; no homozygotes.

Submission:

Ambry Genetics
Classification: Uncertain significance for Inborn genetic diseases. Last evaluated: 2024-04-29. Review status: criteria provided, single submitter. Criteria: Ambry Variant Classification Scheme 2023. Collection method: clinical testing. Allele origin: germline.
Comment: The c.68A>G (p.Q23R) alteration is located in exon 4 (coding exon 1) of the NSD2 (WHSC1) gene. This alteration results from a A to G substitution at nucleotide position 68, causing the glutamine (Q) at amino acid position 23 to be replaced by an arginine (R). This variant was not reported in population-based cohorts in the Genome Aggregation Database (gnomAD). This amino acid position is highly conserved in available vertebrate species. This alteration is predicted to be deleterious by in silico analysis. Based on insufficient or conflicting evidence, the clinical significance of this alteration remains unclear.

NM_001042424.3(NSD2):c.68A>G (p.Gln23Arg)

Gene: NSD2 (nuclear receptor binding SET domain protein 2; plus strand). Cytogenetic location: 4p16.3.
Variant type: single nucleotide variant.
Coding change: c.68A>G on transcript NM_001042424.3 (MANE Select); coding-DNA position 68, A replaced by G.
Protein change: p.Gln23Arg; replaces glutamine 23 with arginine.
Molecular consequence: missense variant.
Genome position (GRCh38, 1-based): chr4:1,900,722, A>G. VCF-style: chr4-1900722-A-G. GRCh37 (hg19) VCF-style: chr4-1902449-A-G.
Other names: c.68A>G, p.Gln23Arg (NM_007331.2, NM_133330.3, NM_133331.3 and 2 more transcripts); short protein forms Q23R.
Identifiers: ClinVar variation 3301133 (VCV003301133.1).